The following is an entry in ClinVar:

ClinVar aggregate classification (germline): Uncertain significance (1 of 4 stars; one submission).

Allele frequency attached by ClinVar (database versions not stated): ExAC 0.00003.
gnomAD v4.1: 21 of 1,605,890 alleles (0.0013%); highest among the groups gnomAD compares: South Asian, 0.0044%; no homozygotes.

Submission:

Labcorp Genetics (formerly Invitae), Labcorp
Classification: Uncertain significance. Last evaluated: 2024-09-23. Review status: criteria provided, single submitter. Criteria: Invitae Variant Classification Sherloc (09022015). Collection method: clinical testing. Allele origin: germline.
Comment: This sequence change replaces arginine, which is basic and polar, with glutamine, which is neutral and polar, at codon 333 of the ZNF335 protein (p.Arg333Gln). This variant is present in population databases (rs764935041, gnomAD 0.007%). This variant has not been reported in the literature in individuals affected with ZNF335-related conditions. ClinVar contains an entry for this variant (Variation ID: 1954808). Invitae Evidence Modeling of protein sequence and biophysical properties (such as structural, functional, and spatial information, amino acid conservation, physicochemical variation, residue mobility, and thermodynamic stability) indicates that this missense variant is not expected to disrupt ZNF335 protein function with a negative predictive value of 80%. In summary, the available evidence is currently insufficient to determine the role of this variant in disease. Therefore, it has been classified as a Variant of Uncertain Significance.

NM_022095.4(ZNF335):c.998G>A (p.Arg333Gln)

Gene: ZNF335 (zinc finger protein 335; minus strand). Cytogenetic location: 20q13.12.
Variant type: single nucleotide variant.
Coding change: c.998G>A on transcript NM_022095.4 (MANE Select); coding-DNA position 998, G replaced by A.
Protein change: p.Arg333Gln; replaces arginine 333 with glutamine.
Molecular consequence: missense variant.
Genome position (GRCh38, 1-based): chr20:45,965,732, C>T on the plus strand (G>A on the coding strand, the complement: ZNF335 is on the minus strand). VCF-style: chr20-45965732-C-T. GRCh37 (hg19) VCF-style: chr20-44594371-C-T.
Other names: short protein forms R333Q.
Identifiers: ClinVar variation 1954808 (VCV001954808.4), dbSNP rs764935041, ClinGen allele CA9885878.